The following is an entry in ClinVar:

NM_173660.5(DOK7):c.1258C>A (p.Pro420Thr)

Gene: DOK7 (docking protein 7; plus strand). Cytogenetic location: 4p16.3.
Variant type: single nucleotide variant.
Coding change: c.1258C>A on transcript NM_173660.5 (MANE Select); coding-DNA position 1258, C replaced by A.
Protein change: p.Pro420Thr; replaces proline 420 with threonine.
Molecular consequence: missense variant. On other transcripts: 3 prime UTR variant (1).
Genome position (GRCh38, 1-based): chr4:3,493,244, C>A. VCF-style: chr4-3493244-C-A. GRCh37 (hg19) VCF-style: chr4-3494971-C-A.
Other names: c.*479C>A (NM_001164673.2); c.328C>A, p.Pro110Thr (NM_001256896.2); c.1258C>A, p.Pro420Thr (NM_001301071.2); c.826C>A, p.Pro276Thr (NM_001363811.2); c.1258C>A (NM_173660.4); short protein forms P420T, P110T, P276T.
Identifiers: ClinVar variation 1047046 (VCV001047046.7), dbSNP rs150497723, ClinGen allele CA2829433.

ClinVar aggregate classification (germline): Uncertain significance. Review status: criteria provided, multiple submitters, no conflicts (2 of 4 stars). 2 submissions from 2 submitters: Uncertain significance (2). Last evaluated 2024-12-13.

Conditions:
Inborn genetic diseases. Identifiers: MedGen C0950123, MeSH D030342.
Congenital myasthenic syndrome 10. Also called: Myasthenia, limb-girdle, familial. Identifiers: Orphanet 590, MedGen C1850792, MONDO:0009690, OMIM 254300.
Fetal akinesia deformation sequence 1 (FADS1). Also called: Pena-Shokeir syndrome type I; Fetal akinesia sequence. Identifiers: Orphanet 994, MedGen C1276035, MONDO:0100101, OMIM 208150, HP:0001989.

Submissions (2):

Ambry Genetics
Classification: Uncertain significance for Inborn genetic diseases. Last evaluated: 2024-12-13. Review status: criteria provided, single submitter. Criteria: Ambry Variant Classification Scheme 2023. Collection method: clinical testing. Allele origin: germline.

Labcorp Genetics (formerly Invitae), Labcorp
Classification: Uncertain significance for Congenital myasthenic syndrome 10; Fetal akinesia deformation sequence 1. Last evaluated: 2021-08-31. Review status: criteria provided, single submitter. Criteria: Invitae Variant Classification Sherloc (09022015). Collection method: clinical testing. Allele origin: germline.
Comment: This sequence change replaces proline with threonine at codon 420 of the DOK7 protein (p.Pro420Thr). The proline residue is moderately conserved and there is a small physicochemical difference between proline and threonine. This variant is present in population databases (rs150497723, ExAC 0.01%). This variant has not been reported in the literature in individuals affected with DOK7-related conditions. Algorithms developed to predict the effect of missense changes on protein structure and function (SIFT, PolyPhen-2, Align-GVGD) all suggest that this variant is likely to be tolerated. In summary, the available evidence is currently insufficient to determine the role of this variant in disease. Therefore, it has been classified as a Variant of Uncertain Significance.